The following is an entry in ClinVar:

NM_000038.6(APC):c.3668C>G (p.Ser1223Cys)

Gene: APC (APC regulator of Wnt signaling pathway; plus strand). Cytogenetic location: 5q22.2.
Variant type: single nucleotide variant.
Coding change: c.3668C>G on transcript NM_000038.6 (MANE Select); coding-DNA position 3668, C replaced by G.
Protein change: p.Ser1223Cys; replaces serine 1223 with cysteine.
Molecular consequence: missense variant.
Genome position (GRCh38, 1-based): chr5:112,839,262, C>G. VCF-style: chr5-112839262-C-G. GRCh37 (hg19) VCF-style: chr5-112174959-C-G.
Other names: c.3668C>G, p.Ser1223Cys (NM_001127510.3, NM_001354895.2); c.3614C>G, p.Ser1205Cys (NM_001127511.3); c.3722C>G, p.Ser1241Cys (NM_001354896.2); c.3698C>G, p.Ser1233Cys (NM_001354897.2); c.3593C>G, p.Ser1198Cys (NM_001354898.2); c.3584C>G, p.Ser1195Cys (NM_001354899.2); c.3545C>G, p.Ser1182Cys (NM_001354900.2); c.3491C>G, p.Ser1164Cys (NM_001354901.2); and 5 more; short protein forms S1063C, S1182C, S1223C, S1233C, S1132C, S1195C, S1164C, S1198C.
Identifiers: ClinVar variation 919865 (VCV000919865.9), dbSNP rs1765489084, ClinGen allele CA16029384.

ClinVar aggregate classification (germline): Uncertain significance. Review status: criteria provided, multiple submitters, no conflicts (2 of 4 stars). 3 submissions from 3 submitters: Uncertain significance (3). Last evaluated 2024-03-06.

Conditions:
Familial adenomatous polyposis 1 (FAP1). Also called: FAMILIAL ADENOMATOUS POLYPOSIS 1, ATTENUATED; POLYPOSIS, ADENOMATOUS INTESTINAL. Identifiers: MedGen C2713442, MONDO:0021056, OMIM 175100. Disease mechanism: loss of function.
Hereditary cancer-predisposing syndrome. Also called: Neoplastic Syndromes, Hereditary; Tumor predisposition; Hereditary Cancer Syndrome; Hereditary neoplastic syndrome. Identifiers: Orphanet 140162, MedGen C0027672, MeSH D009386, MONDO:0015356.

Submissions (3):

Color Diagnostics, LLC DBA Color Health
Classification: Uncertain significance for Hereditary cancer-predisposing syndrome. Last evaluated: 2024-03-06. Review status: criteria provided, single submitter. Criteria: ACMG Guidelines, 2015. Collection method: clinical testing. Allele origin: germline.
Comment: This missense variant replaces serine with cysteine at codon 1223 of the APC protein. Computational prediction tool suggests that this variant may not impact protein structure and function (internally defined REVEL score threshold <=0.5, PMID: 27666373). Splice site prediction tools suggest that this variant may not impact RNA splicing. To our knowledge, functional studies have not been performed for this variant. This variant has not been reported in individuals affected with hereditary cancer in the literature. This variant has not been identified in the general population by the Genome Aggregation Database (gnomAD). The available evidence is insufficient to determine the role of this variant in disease conclusively. Therefore, this variant is classified as a Variant of Uncertain Significance.

Labcorp Genetics (formerly Invitae), Labcorp
Classification: Uncertain significance for Familial adenomatous polyposis 1. Last evaluated: 2024-01-02. Review status: criteria provided, single submitter. Criteria: Invitae Variant Classification Sherloc (09022015). Collection method: clinical testing. Allele origin: germline.
Comment: This sequence change replaces serine, which is neutral and polar, with cysteine, which is neutral and slightly polar, at codon 1223 of the APC protein (p.Ser1223Cys). This variant is not present in population databases (gnomAD no frequency). This variant has not been reported in the literature in individuals affected with APC-related conditions. ClinVar contains an entry for this variant (Variation ID: 919865). Advanced modeling of protein sequence and biophysical properties (such as structural, functional, and spatial information, amino acid conservation, physicochemical variation, residue mobility, and thermodynamic stability) performed at Invitae indicates that this missense variant is not expected to disrupt APC protein function with a negative predictive value of 95%. In summary, the available evidence is currently insufficient to determine the role of this variant in disease. Therefore, it has been classified as a Variant of Uncertain Significance.

Ambry Genetics
Classification: Uncertain significance for Hereditary cancer-predisposing syndrome. Last evaluated: 2022-02-02. Review status: criteria provided, single submitter. Criteria: Ambry Variant Classification Scheme 2023. Collection method: clinical testing. Allele origin: germline.
Comment: The p.S1223C variant (also known as c.3668C>G), located in coding exon 15 of the APC gene, results from a C to G substitution at nucleotide position 3668. The serine at codon 1223 is replaced by cysteine, an amino acid with dissimilar properties. This amino acid position is not well conserved in available vertebrate species. In addition, in silico predictors for this gene do not accurately predict pathogenicity. Since supporting evidence is limited at this time, the clinical significance of this alteration remains unclear.